The following is an entry in ClinVar:

NM_014795.4(ZEB2):c.2288del (p.Pro763fs)

Gene: ZEB2 (zinc finger E-box binding homeobox 2; minus strand). Cytogenetic location: 2q22.3.
Variant type: Deletion.
Coding change: c.2288del on transcript NM_014795.4 (MANE Select); coding-DNA position 2288, one base deleted (C; older notation c.2288delC).
Protein change: p.Pro763fs; shifts the reading frame from proline 763.
Molecular consequence: frameshift variant.
Genome position (GRCh38, 1-based): chr2:144,398,899, G deleted on the plus strand (C on the coding strand, the reverse complement: ZEB2 is on the minus strand); the first of 2 consecutive G bases (chr2:144,398,899-144,398,900); deleting either gives the same sequence. VCF-style (leftmost placement, unchanged base first): chr2-144398898-AG-A. GRCh37 (hg19) VCF-style: chr2-145156465-AG-A.
Other names: c.2216del, p.Pro739fs (NM_001171653.2); short protein forms P763fs, P739fs.
Identifiers: ClinVar variation 3645672 (VCV003645672.2).

ClinVar aggregate classification (germline): Pathogenic (1 of 4 stars; one submission).

Conditions:
Mowat-Wilson syndrome (MOWS). Also called: Classic Mowat-Wilson Syndrome. Identifiers: Orphanet 2152, MedGen C1856113, MONDO:0009341, OMIM 235730.

Submission:

Labcorp Genetics (formerly Invitae), Labcorp
Classification: Pathogenic for Mowat-Wilson syndrome. Last evaluated: 2024-03-13. Review status: criteria provided, single submitter. Criteria: Invitae Variant Classification Sherloc (09022015). Collection method: clinical testing. Allele origin: germline.
Comment: This sequence change creates a premature translational stop signal (p.Pro763Leufs*24) in the ZEB2 gene. It is expected to result in an absent or disrupted protein product. Loss-of-function variants in ZEB2 are known to be pathogenic (PMID: 16053902). This variant is not present in population databases (gnomAD no frequency). This variant has not been reported in the literature in individuals affected with ZEB2-related conditions. For these reasons, this variant has been classified as Pathogenic.

Literature cited by the submitters: PubMed 16053902.